The following is an entry in ClinVar:

ClinVar aggregate classification (germline): Likely pathogenic (1 of 4 stars; one submission).

Submission:

Labcorp Genetics (formerly Invitae), Labcorp
Classification: Likely pathogenic. Last evaluated: 2024-03-06. Review status: criteria provided, single submitter. Criteria: Invitae Variant Classification Sherloc (09022015). Collection method: clinical testing. Allele origin: germline.
Comment: This sequence change affects an acceptor splice site in intron 27 of the ATR gene. It is expected to disrupt RNA splicing. Variants that disrupt the donor or acceptor splice site typically lead to a loss of protein function (PMID: 16199547), and loss-of-function variants in ATR are known to be pathogenic (PMID: 21228398, 23144622). This variant is not present in population databases (gnomAD no frequency). This variant has not been reported in the literature in individuals affected with ATR-related conditions. Algorithms developed to predict the effect of sequence changes on RNA splicing suggest that this variant may disrupt the consensus splice site. In summary, the currently available evidence indicates that the variant is pathogenic, but additional data are needed to prove that conclusively. Therefore, this variant has been classified as Likely Pathogenic.

Literature cited by the submitters: PubMed 16199547; PubMed 21228398; PubMed 23144622.

NM_001184.4(ATR):c.4853-2A>G

Gene: ATR (ATR checkpoint kinase; minus strand). Cytogenetic location: 3q23.
Variant type: single nucleotide variant.
Coding change: c.4853-2A>G on transcript NM_001184.4 (MANE Select); the canonical splice acceptor site of the intron before coding-DNA position 4853, A replaced by G.
Molecular consequence: splice acceptor variant.
Genome position (GRCh38, 1-based): chr3:142,508,111, T>C on the plus strand (A>G on the coding strand, the complement: ATR is on the minus strand). VCF-style: chr3-142508111-T-C. GRCh37 (hg19) VCF-style: chr3-142226953-T-C.
Other names: c.4661-2A>G (NM_001354579.2).
Identifiers: ClinVar variation 2807425 (VCV002807425.3), dbSNP rs2108361516, ClinGen allele CA354821093.